The following is an entry in ClinVar:

NM_005213.4(CSTA):c.250G>A (p.Gly84Arg)

Gene: CSTA (cystatin A; plus strand). Cytogenetic location: 3q21.1.
Variant type: single nucleotide variant.
Coding change: c.250G>A on transcript NM_005213.4 (MANE Select); coding-DNA position 250, G replaced by A.
Protein change: p.Gly84Arg; replaces glycine 84 with arginine.
Molecular consequence: missense variant.
Genome position (GRCh38, 1-based): chr3:122,341,520, G>A. VCF-style: chr3-122341520-G-A. GRCh37 (hg19) VCF-style: chr3-122060367-G-A.
Other names: short protein forms G84R.
Identifiers: ClinVar variation 2442677 (VCV002442677.1), dbSNP rs142032585, ClinGen allele CA2570056.

ClinVar aggregate classification (germline): Uncertain significance (1 of 4 stars; one submission).

Allele frequency attached by ClinVar (database versions not stated): gnomAD 0.00019; TOPMed 0.00025; ExAC 0.00033; gnomAD exomes 0.00039; ESP Exome Variant Server 0.00046.
gnomAD v4.1: 599 of 1,613,948 alleles (0.037%); highest among the groups gnomAD compares: Non-Finnish European, 0.045%; no homozygotes.

Submission:

GeneDx
Classification: Uncertain significance. Last evaluated: 2022-09-01. Review status: criteria provided, single submitter. Criteria: GeneDx Variant Classification Process June 2021. Collection method: clinical testing. Allele origin: germline. Affected: yes.
Comment: Has not been previously published as pathogenic or benign to our knowledge; In silico analysis supports that this missense variant has a deleterious effect on protein structure/function